The following is an entry in ClinVar:

ClinVar aggregate classification (germline): Uncertain significance (1 of 4 stars; one submission).

Conditions:
Hereditary cancer-predisposing syndrome. Also called: Hereditary neoplastic syndrome; Tumor predisposition; Hereditary Cancer Syndrome; Neoplastic Syndromes, Hereditary. Identifiers: Orphanet 140162, MedGen C0027672, MeSH D009386, MONDO:0015356.

Submission:

Ambry Genetics
Classification: Uncertain significance for Hereditary cancer-predisposing syndrome. Last evaluated: 2023-09-01. Review status: criteria provided, single submitter. Criteria: Ambry Variant Classification Scheme 2023. Collection method: clinical testing. Allele origin: germline.
Comment: The p.D99H variant (also known as c.295G>C), located in coding exon 2 of the BRCA2 gene, results from a G to C substitution at nucleotide position 295. The aspartic acid at codon 99 is replaced by histidine, an amino acid with similar properties. This amino acid position is not well conserved in available vertebrate species. In addition, this alteration is predicted to be tolerated by in silico analysis. Since supporting evidence is limited at this time, the clinical significance of this alteration remains unclear.

NM_000059.4(BRCA2):c.295G>C (p.Asp99His)

Gene: BRCA2 (BRCA2 DNA repair associated; plus strand). Cytogenetic location: 13q13.1.
Variant type: single nucleotide variant.
Coding change: c.295G>C on transcript NM_000059.4 (MANE Select); coding-DNA position 295, G replaced by C.
Protein change: p.Asp99His; replaces aspartic acid 99 with histidine.
Molecular consequence: missense variant. On other transcripts: 5 prime UTR variant (1), non-coding transcript variant (1).
Genome position (GRCh38, 1-based): chr13:32,319,304, G>C. VCF-style: chr13-32319304-G-C. GRCh37 (hg19) VCF-style: chr13-32893441-G-C.
Other names: c.295G>C, p.Asp99His (NM_001406719.1, NM_001406720.1, NM_001406721.1); c.-75G>C (NM_001406722.1); short protein forms D99H.
Identifiers: ClinVar variation 2586312 (VCV002586312.2), dbSNP rs2138705765, ClinGen allele CA387754654.
Genomic context (GRCh38, chr13:32,319,304, plus strand): 5'-ATAATATTCAAAGAGCAAGGGCTGACTCTGCCGCTGTACCAATCTCCTGTAAAAGAATTA[G>C]ATAAATTCAAATTAGACTTAGGTAAGTAATGCAATATGGTAGACTGGGGAGAACTACAAA-3'
Protein context (NP_000050.3, residues 89-109): PLYQSPVKEL[Asp99His]KFKLDLGRNV